The following is an entry in ClinVar:

NM_001040142.2(SCN2A):c.2017-9T>C

Gene: SCN2A (sodium voltage-gated channel alpha subunit 2; plus strand). Cytogenetic location: 2q24.3.
Variant type: single nucleotide variant.
Coding change: c.2017-9T>C on transcript NM_001040142.2 (MANE Select); 9 bases into the intron before coding-DNA position 2017, T replaced by C.
Molecular consequence: intron variant.
Genome position (GRCh38, 1-based): chr2:165,326,843, T>C. VCF-style: chr2-165326843-T-C. GRCh37 (hg19) VCF-style: chr2-166183353-T-C.
Other names: c.2017-9T>C (NM_001040143.2, NM_001371246.1, NM_001371247.1 and 1 more transcripts).
Identifiers: ClinVar variation 516631 (VCV000516631.15), dbSNP rs1451143110, ClinGen allele CA658795947.

ClinVar aggregate classification (germline): Likely benign. Review status: criteria provided, multiple submitters, no conflicts (2 of 4 stars). 4 submissions from 4 submitters: Likely benign (3). 1 of the submissions does not count toward it. Last evaluated 2025-02-25.

Conditions:
Seizures, benign familial infantile, 3 (BFIS3). Also called: CONVULSIONS, BENIGN FAMILIAL INFANTILE, 3; Familial neonatal seizures. Identifiers: Orphanet 140927, Orphanet 306, MedGen C1843140, MONDO:0011904, OMIM 607745.
Developmental and epileptic encephalopathy, 11 (DEE11). Also called: Early infantile epileptic encephalopathy 11. Identifiers: Orphanet 1934, MedGen C3150987, MONDO:0013388, OMIM 613721.
SCN2A-related disorder. Also called: SCN2A-related disorders; SCN2A-related condition. Identifiers: MedGen CN382226, MONDO:1060245.

Allele frequency attached by ClinVar (database versions not stated): gnomAD 0.00003; TOPMed 0.00002; gnomAD exomes 0.00007.
gnomAD v4.1: 97 of 1,613,758 alleles (0.006%); highest among the groups gnomAD compares: Non-Finnish European, 0.0081%; no homozygotes.

Submissions (4):

Women's Health and Genetics/Laboratory Corporation of America, LabCorp
Classification: Likely benign. Last evaluated: 2025-02-25. Review status: criteria provided, single submitter. Criteria: LabCorp Variant Classification Summary - May 2015. Collection method: clinical testing. Allele origin: germline.

Labcorp Genetics (formerly Invitae), Labcorp
Classification: Likely benign for Seizures, benign familial infantile, 3; Developmental and epileptic encephalopathy, 11. Last evaluated: 2024-05-15. Review status: criteria provided, single submitter. Criteria: Invitae Variant Classification Sherloc (09022015). Collection method: clinical testing. Allele origin: germline.

GeneDx
Classification: Likely benign. Last evaluated: 2019-10-30. Review status: criteria provided, single submitter. Criteria: GeneDx Variant Classification Process June 2021. Collection method: clinical testing. Allele origin: germline. Affected: yes.

PreventionGenetics, part of Exact Sciences
Classification: Likely benign for SCN2A-related condition. Last evaluated: 2019-05-23. Review status: no assertion criteria provided. Collection method: clinical testing. Allele origin: germline. Not counted in ClinVar's aggregate classification.
Comment: This variant is classified as likely benign based on ACMG/AMP sequence variant interpretation guidelines (Richards et al. 2015 PMID: 25741868, with internal and published modifications).